The following is an entry in ClinVar:

NM_001378452.1(ITPR1):c.4527G>A (p.Thr1509=)

Gene: ITPR1 (inositol 1,4,5-trisphosphate receptor type 1; plus strand). Cytogenetic location: 3p26.1.
Variant type: single nucleotide variant.
Coding change: c.4527G>A on transcript NM_001378452.1 (MANE Select); coding-DNA position 4527, G replaced by A.
Protein change: p.Thr1509=; no amino-acid change (threonine 1509 retained).
Molecular consequence: synonymous variant.
Genome position (GRCh38, 1-based): chr3:4,699,932, G>A. VCF-style: chr3-4699932-G-A. GRCh37 (hg19) VCF-style: chr3-4741616-G-A.
Other names: c.4455G>A (NM_002222.5); c.4500G>A, p.Thr1500= (NM_001099952.4); c.4482G>A, p.Thr1494= (NM_001168272.2); c.4455G>A, p.Thr1485= (NM_002222.7).
Identifiers: ClinVar variation 2160034 (VCV002160034.6), dbSNP rs752982589, ClinGen allele CA2232016.

ClinVar aggregate classification (germline): Likely benign. Review status: criteria provided, single submitter (1 of 4 stars). 2 submissions from 2 submitters: Likely benign (1). 1 of the submissions does not count toward it. Last evaluated 2025-10-02.

Conditions:
ITPR1-related disorder. Also called: ITPR1-related condition.

Allele frequency attached by ClinVar (database versions not stated): gnomAD 0.00002; TOPMed 0.00002; ExAC 0.00003.
gnomAD v4.1: 27 of 1,612,864 alleles (0.0017%); highest among the groups gnomAD compares: South Asian, 0.0033%; no homozygotes.

Submissions (2):

Labcorp Genetics (formerly Invitae), Labcorp
Classification: Likely benign. Last evaluated: 2025-10-02. Review status: criteria provided, single submitter. Criteria: Invitae Variant Classification Sherloc (09022015). Collection method: clinical testing. Allele origin: germline.

PreventionGenetics, part of Exact Sciences
Classification: Likely benign for ITPR1-related condition. Last evaluated: 2023-10-10. Review status: no assertion criteria provided. Collection method: clinical testing. Allele origin: germline. Not counted in ClinVar's aggregate classification.
Comment: This variant is classified as likely benign based on ACMG/AMP sequence variant interpretation guidelines (Richards et al. 2015 PMID: 25741868, with internal and published modifications).